The following is an entry in ClinVar:

ClinVar aggregate classification (germline): Pathogenic. Review status: criteria provided, multiple submitters, no conflicts (2 of 4 stars). 2 submissions from 2 submitters: Pathogenic (2). Last evaluated 2024-01-22.

Conditions:
Bartter disease type 1. Also called: HYPOKALEMIC ALKALOSIS WITH HYPERCALCIURIA 1, ANTENATAL; HYPERPROSTAGLANDIN E SYNDROME 1; Bartter syndrome, type 1, antenatal; Bartter Syndrome type 1. Identifiers: Orphanet 112, Orphanet 620217, MedGen C1866495, MONDO:0100344, OMIM 601678, MONDO:0011127.

Submissions (2):

Fulgent Genetics
Classification: Pathogenic for Bartter disease type 1. Last evaluated: 2024-01-22. Review status: criteria provided, single submitter. Criteria: ACMG Guidelines, 2015. Collection method: clinical testing. Allele origin: germline.

Labcorp Genetics (formerly Invitae), Labcorp
Classification: Pathogenic. Last evaluated: 2023-07-10. Review status: criteria provided, single submitter. Criteria: Invitae Variant Classification Sherloc (09022015). Collection method: clinical testing. Allele origin: germline.
Comment: This sequence change creates a premature translational stop signal (p.Arg302Glyfs*3) in the SLC12A1 gene. It is expected to result in an absent or disrupted protein product. Loss-of-function variants in SLC12A1 are known to be pathogenic (PMID: 8640224, 9585600, 19096086). For these reasons, this variant has been classified as Pathogenic. This variant is present in population databases (rs745334373, gnomAD 0.002%). This premature translational stop signal has been observed in individual(s) with Bartter syndrome (PMID: 8640224).

Literature cited by the submitters: PubMed 8640224 (cited by Labcorp Genetics (formerly Invitae), Labcorp); PubMed 9585600 (cited by Labcorp Genetics (formerly Invitae), Labcorp); PubMed 19096086 (cited by Labcorp Genetics (formerly Invitae), Labcorp).

NM_000338.3(SLC12A1):c.904del (p.Arg302fs)

Gene: SLC12A1 (solute carrier family 12 member 1; plus strand). Cytogenetic location: 15q21.1.
Variant type: Deletion.
Coding change: c.904del on transcript NM_000338.3 (MANE Select); coding-DNA position 904, one base deleted (C; older notation c.904delC).
Protein change: p.Arg302fs; shifts the reading frame from arginine 302.
Molecular consequence: frameshift variant.
Genome position (GRCh38, 1-based): chr15:48,230,432, C deleted; the last of 2 consecutive C bases (chr15:48,230,431-48,230,432); deleting either gives the same sequence. VCF-style (leftmost placement, unchanged base first): chr15-48230430-TC-T. GRCh37 (hg19) VCF-style: chr15-48522627-TC-T.
Other names: c.904del, p.Arg302fs (NM_001184832.2, NM_001384136.1); short protein forms R302fs.
Identifiers: ClinVar variation 2736214 (VCV002736214.4), dbSNP rs745334373, ClinGen allele CA7546930.